The following is an entry in ClinVar:

NM_022369.4(STRA6):c.1313A>G (p.Gln438Arg)

Gene: STRA6 (signaling receptor and transporter of retinol STRA6; minus strand). Cytogenetic location: 15q24.1.
Variant type: single nucleotide variant.
Coding change: c.1313A>G on transcript NM_022369.4 (MANE Select); coding-DNA position 1313, A replaced by G.
Protein change: p.Gln438Arg; replaces glutamine 438 with arginine.
Molecular consequence: missense variant.
Genome position (GRCh38, 1-based): chr15:74,182,448, T>C on the plus strand (A>G on the coding strand, the complement: STRA6 is on the minus strand). VCF-style: chr15-74182448-T-C. GRCh37 (hg19) VCF-style: chr15-74474789-T-C.
Other names: c.1313A>G, p.Gln438Arg (NM_001142617.2, NM_001142618.2); c.1286A>G, p.Gln429Arg (NM_001142619.2); c.1424A>G, p.Gln475Arg (NM_001199040.2); c.1358A>G, p.Gln453Arg (NM_001199041.2); c.1430A>G, p.Gln477Arg (NM_001199042.2); short protein forms Q438R, Q477R, Q453R, Q429R, Q475R.
Identifiers: ClinVar variation 221966 (VCV000221966.1), dbSNP rs869025269, ClinGen allele CA351574.

ClinVar aggregate classification (germline): Pathogenic (1 of 4 stars; one submission).

Conditions:
Anophthalmia-microphthalmia syndrome. Also called: Anophthalmia/Microphthalmia; Anophthalmia - microphthalmia. Identifiers: Orphanet 98555, MedGen C5680330, MONDO:0020147.

Allele frequency attached by ClinVar (database versions not stated): gnomAD exomes below 0.00001 and 0.00001.
gnomAD v4.1: 4 of 1,609,718 alleles (0.00025%); highest among the groups gnomAD compares: Non-Finnish European, 0.00034%; no homozygotes.

Submission:

Paul Sabatier University EA-4555, Paul Sabatier University
Classification: Pathogenic. Last evaluated: 2013-01-01. Review status: criteria provided, single submitter. Criteria: Chassaing et al. (Genome Res. 2016). Collection method: clinical testing. Allele origin: inherited. Inheritance: Autosomal recessive inheritance. Affected: yes. Observed: 1 compound heterozygote.
Comment: rare variant, predicted damaging in silico (Polyphen-2, SIFT), compound heterozygosity